The following is an entry in ClinVar:

ClinVar aggregate classification (germline): Uncertain significance (1 of 4 stars; one submission).

Conditions:
Spermatogenic failure 18. Identifiers: MedGen C4539783, MONDO:0054615, OMIM 617576.
Ciliary dyskinesia, primary, 37 (CILD37). Also called: CILIARY DYSKINESIA, PRIMARY, 37, WITH OR WITHOUT SITUS INVERSUS. Identifiers: MedGen C4539798, MONDO:0033204, OMIM 617577.

Submission:

Labcorp Genetics (formerly Invitae), Labcorp
Classification: Uncertain significance for Ciliary dyskinesia, primary, 37; Spermatogenic failure 18. Last evaluated: 2024-03-12. Review status: criteria provided, single submitter. Criteria: Invitae Variant Classification Sherloc (09022015). Collection method: clinical testing. Allele origin: germline.
Comment: This sequence change replaces histidine, which is basic and polar, with asparagine, which is neutral and polar, at codon 786 of the DNAH1 protein (p.His786Asn). This variant is not present in population databases (gnomAD no frequency). This variant has not been reported in the literature in individuals affected with DNAH1-related conditions. Advanced modeling of protein sequence and biophysical properties (such as structural, functional, and spatial information, amino acid conservation, physicochemical variation, residue mobility, and thermodynamic stability) performed at Invitae indicates that this missense variant is not expected to disrupt DNAH1 protein function with a negative predictive value of 80%. In summary, the available evidence is currently insufficient to determine the role of this variant in disease. Therefore, it has been classified as a Variant of Uncertain Significance.

NM_015512.5(DNAH1):c.2356C>A (p.His786Asn)

Gene: DNAH1 (dynein axonemal heavy chain 1; plus strand). Cytogenetic location: 3p21.1.
Variant type: single nucleotide variant.
Coding change: c.2356C>A on transcript NM_015512.5 (MANE Select); coding-DNA position 2356, C replaced by A.
Protein change: p.His786Asn; replaces histidine 786 with asparagine.
Molecular consequence: missense variant.
Genome position (GRCh38, 1-based): chr3:52,349,250, C>A. VCF-style: chr3-52349250-C-A. GRCh37 (hg19) VCF-style: chr3-52383266-C-A.
Other names: short protein forms H786N.
Identifiers: ClinVar variation 3755129 (VCV003755129.2).